The following is an entry in ClinVar:

ClinVar aggregate classification (germline): Uncertain significance (1 of 4 stars; one submission).

Conditions:
Ataxia-telangiectasia syndrome (AT). Also called: LOUIS-BAR SYNDROME; Cerebello-oculocutaneous telangiectasia; Immunodeficiency with ataxia telangiectasia; Ataxia telangiectasia (A-T); Ataxia-telangiectasia, complementation group D; AT, COMPLEMENTATION GROUP C. Identifiers: Orphanet 100, MedGen C0004135, MONDO:0008840, OMIM 208900.

Submission:

Labcorp Genetics (formerly Invitae), Labcorp
Classification: Uncertain significance for Ataxia-telangiectasia syndrome. Last evaluated: 2023-06-28. Review status: criteria provided, single submitter. Criteria: Invitae Variant Classification Sherloc (09022015). Collection method: clinical testing. Allele origin: germline.
Comment: This sequence change replaces tryptophan, which is neutral and slightly polar, with cysteine, which is neutral and slightly polar, at codon 1933 of the ATM protein (p.Trp1933Cys). Information on the frequency of this variant in the gnomAD database is not available, as this variant may be reported differently in the database. This variant has not been reported in the literature in individuals affected with ATM-related conditions. Experimental studies and prediction algorithms are not available or were not evaluated, and the functional significance of this variant is currently unknown. Studies have shown that this missense change is associated with altered splicing resulting in multiple RNA products (Inviate). In summary, the available evidence is currently insufficient to determine the role of this variant in disease. Therefore, it has been classified as a Variant of Uncertain Significance.

NM_000051.4(ATM):c.5799_5800delinsTT (p.Trp1933Cys)

Genes: ATM (ATM serine/threonine kinase; plus strand), C11orf65 (chromosome 11 open reading frame 65; minus strand). Cytogenetic location: 11q22.3.
Variant type: Indel.
Coding change: c.5799_5800delinsTT on transcript NM_000051.4 (MANE Select); coding-DNA positions 5799 to 5800, GC replaced by TT.
Protein change: p.Trp1933Cys; replaces tryptophan 1933 with cysteine.
Molecular consequence: missense variant. On other transcripts: intron variant (2).
Genome position (GRCh38, 1-based): chr11:108,310,196-108,310,197, GC replaced by TT. VCF-style: chr11-108310196-GC-TT. GRCh37 (hg19) VCF-style: chr11-108180923-GC-TT.
Other names: c.5799_5800delinsTT, p.Trp1933Cys (NM_001351834.2); c.641-1126_641-1125delinsAA (NM_001330368.2); c.*39-1126_*39-1125delinsAA (NM_001351110.2); short protein forms W1933C.
Identifiers: ClinVar variation 2732151 (VCV002732151.3), dbSNP rs2547026786, ClinGen allele CA2697558866.
Genomic context (GRCh38, chr11:108,310,196, plus strand): 5'-ACATTATATCTCATTTTTCTTTAGACCTTCTTCAGGAACAATTTTTAATGATGCTTTCTG[GC>TT]TGGATTTAAATTATCTAGAAGTTGCCAAGGTAGCTCAGTCTTGTGCTGCTCACTTTACAG-3'
Protein context (NP_000042.3, residues 1923-1943): SSGTIFNDAF[Trp1933Cys]LDLNYLEVAK